The following is an entry in ClinVar:

ClinVar aggregate classification (germline): Benign/Likely benign. Review status: criteria provided, multiple submitters, no conflicts (2 of 4 stars). 4 submissions from 4 submitters: Benign (1); Likely benign (3). Last evaluated 2024-08-05.

Conditions:
Hereditary cancer-predisposing syndrome. Also called: Hereditary neoplastic syndrome; Tumor predisposition; Neoplastic Syndromes, Hereditary; Hereditary Cancer Syndrome. Identifiers: Orphanet 140162, MedGen C0027672, MeSH D009386, MONDO:0015356.
Juvenile polyposis syndrome (JPS). Identifiers: Orphanet 2929, MedGen C0345893, MONDO:0017380, OMIM 174900.

Submissions (4):

Myriad Genetics, Inc.
Classification: Benign for Juvenile polyposis syndrome. Last evaluated: 2024-08-05. Review status: criteria provided, single submitter. Criteria: Myriad Autosomal Dominant, Autosomal Recessive and X-Linked Classification Criteria (2023). Collection method: clinical testing. Allele origin: unknown.
Comment: This variant is considered benign. This variant is a silent/synonymous amino acid change and it is not expected to impact splicing.

Labcorp Genetics (formerly Invitae), Labcorp
Classification: Likely benign for Juvenile polyposis syndrome. Last evaluated: 2023-12-06. Review status: criteria provided, single submitter. Criteria: Invitae Variant Classification Sherloc (09022015). Collection method: clinical testing. Allele origin: germline.

All of Us Research Program, National Institutes of Health
Classification: Likely benign for Juvenile polyposis syndrome. Last evaluated: 2023-10-30. Review status: criteria provided, single submitter. Criteria: ACMG Guidelines, 2015. Collection method: clinical testing. Allele origin: germline. Inheritance: Autosomal dominant inheritance. Observed: 2 variant alleles, 2 heterozygotes.
Comment: This study involves interpretation of variants in research participants for the purpose of population health screening. Participant phenotype was not available at the time of variant classification. Additional details can be found in publication PMID: 35346344, PMCID: PMC8962531

Ambry Genetics
Classification: Likely benign for Hereditary cancer-predisposing syndrome. Last evaluated: 2021-07-14. Review status: criteria provided, single submitter. Criteria: Ambry Variant Classification Scheme 2023. Collection method: clinical testing. Allele origin: germline.

NM_004329.3(BMPR1A):c.903C>G (p.Ser301=)

Gene: BMPR1A (bone morphogenetic protein receptor type 1A; plus strand). Cytogenetic location: 10q23.2.
Variant type: single nucleotide variant.
Coding change: c.903C>G on transcript NM_004329.3 (MANE Select); coding-DNA position 903, C replaced by G.
Protein change: p.Ser301=; no amino-acid change (serine 301 retained).
Molecular consequence: synonymous variant.
Genome position (GRCh38, 1-based): chr10:86,919,206, C>G. VCF-style: chr10-86919206-C-G. GRCh37 (hg19) VCF-style: chr10-88678963-C-G.
Identifiers: ClinVar variation 950771 (VCV000950771.14), dbSNP rs1843621876, ClinGen allele CA470372639.
Genomic context (GRCh38, chr10:86,919,206, plus strand): 5'-ACCTTTTAAACTCATCAACTGGACAGGTTTCATAGCGGCAGACATTAAAGGTACAGGTTC[C>G]TGGACTCAGCTCTATTTGATTACTGATTACCATGAAAATGGATCTCTCTATGACTTCCTG-3'
Protein context (NP_004320.2, residues 291-311): FIAADIKGTG[Ser301=]WTQLYLITDY